The following is an entry in ClinVar:

NM_021072.4(HCN1):c.1254G>A (p.Met418Ile)

Gene: HCN1 (hyperpolarization activated cyclic nucleotide gated potassium channel 1; minus strand). Cytogenetic location: 5p12.
Variant type: single nucleotide variant.
Coding change: c.1254G>A on transcript NM_021072.4 (MANE Select); coding-DNA position 1254, G replaced by A.
Protein change: p.Met418Ile; replaces methionine 418 with isoleucine.
Molecular consequence: missense variant.
Genome position (GRCh38, 1-based): chr5:45,353,223, C>T on the plus strand (G>A on the coding strand, the complement: HCN1 is on the minus strand). VCF-style: chr5-45353223-C-T. GRCh37 (hg19) VCF-style: chr5-45353325-C-T.
Other names: short protein forms M418I.
Identifiers: ClinVar variation 5022608 (VCV005022608.1).

ClinVar aggregate classification (germline): Uncertain significance (1 of 4 stars; one submission).

Conditions:
Inborn genetic diseases. Identifiers: MedGen C0950123, MeSH D030342.

gnomAD v4.1: 1 of 1,606,342 alleles (0.000062%); highest among the groups gnomAD compares: Non-Finnish European, 0.000085%; no homozygotes.

Submission:

Ambry Genetics
Classification: Uncertain significance for Inborn genetic diseases. Last evaluated: 2026-07-01. Review status: criteria provided, single submitter. Criteria: Ambry Variant Classification Scheme 2023. Collection method: clinical testing. Allele origin: germline.
Comment: The c.1254G>A (p.M418I) alteration is located in exon 5 (coding exon 5) of the HCN1 gene. This alteration results from a G to A substitution at nucleotide position 1254, causing the methionine (M) at amino acid position 418 to be replaced by an isoleucine (I). This variant was not reported in population-based cohorts in the Genome Aggregation Database (gnomAD). This amino acid position is highly conserved in available vertebrate species. This missense variant is located in a region that has a low rate of benign missense variation (Lek, 2016; Firth, 2009). This alteration is predicted to be deleterious by in silico analysis. Based on insufficient or conflicting evidence, the clinical significance of this alteration remains unclear.